The following is an entry in ClinVar:

NM_003119.4(SPG7):c.125C>T (p.Pro42Leu)

Genes: SPG7 (SPG7 matrix AAA peptidase subunit, paraplegin; plus strand), LOC130059818 (ATAC-STARR-seq lymphoblastoid silent region 7911; plus strand). Cytogenetic location: 16q24.3.
Variant type: single nucleotide variant.
Coding change: c.125C>T on transcript NM_003119.4 (MANE Select); coding-DNA position 125, C replaced by T.
Protein change: p.Pro42Leu; replaces proline 42 with leucine.
Molecular consequence: missense variant.
Genome position (GRCh38, 1-based): chr16:89,508,542, C>T. VCF-style: chr16-89508542-C-T. GRCh37 (hg19) VCF-style: chr16-89574950-C-T.
Other names: c.125C>T, p.Pro42Leu (NM_001363850.1, NM_199367.3); short protein forms P42L.
Identifiers: ClinVar variation 4737196 (VCV004737196.1).
Genomic context (GRCh38, chr16:89,508,542, plus strand): 5'-TGTGGGGCCCAGGCCCGGCCTGGAGTCCAGGGTTCCCCGCCAGGCCCGGGAGGGGGCGGC[C>T]GTACATGGCCAGCAGGCCTCCGGGGGACCTCGCCGAGGCTGGAGGCCGAGCTCTGCAGGT-3'
Protein context (NP_003110.1, residues 32-52): GFPARPGRGR[Pro42Leu]YMASRPPGDL

ClinVar aggregate classification (germline): Uncertain significance (1 of 4 stars; one submission).

Conditions:
Hereditary spastic paraplegia 7 (SPG7). Also called: SPASTIC PARAPLEGIA 7, AUTOSOMAL RECESSIVE, WITH OR WITHOUT CEREBELLAR ATAXIA; SPG7-related neurologic disorder; Spastic paraplegia 7; Hereditary spastic paraplegia Paraplegin type; Autosomal recessive spastic paraplegia type 7. Identifiers: Orphanet 99013, MedGen C1846564, MONDO:0011803, OMIM 607259.

Submission:

Labcorp Genetics (formerly Invitae), Labcorp
Classification: Uncertain significance for Hereditary spastic paraplegia 7. Last evaluated: 2026-01-22. Review status: criteria provided, single submitter. Criteria: Invitae Variant Classification Sherloc (09022015). Collection method: clinical testing. Allele origin: germline.
Comment: This sequence change replaces proline, which is neutral and non-polar, with leucine, which is neutral and non-polar, at codon 42 of the SPG7 protein (p.Pro42Leu). The frequency data for this variant in the population databases is considered unreliable, as metrics indicate poor data quality at this position in the gnomAD database. This variant has not been reported in the literature in individuals affected with SPG7-related conditions. Invitae Evidence Modeling of protein sequence and biophysical properties (such as structural, functional, and spatial information, amino acid conservation, physicochemical variation, residue mobility, and thermodynamic stability) indicates that this missense variant is not expected to disrupt SPG7 protein function with a negative predictive value of 95%. In summary, the available evidence is currently insufficient to determine the role of this variant in disease. Therefore, it has been classified as a Variant of Uncertain Significance.